The following is an entry in ClinVar:

NM_004415.4(DSP):c.8495G>T (p.Gly2832Val)

Gene: DSP (desmoplakin; plus strand). Cytogenetic location: 6p24.3.
Variant type: single nucleotide variant.
Coding change: c.8495G>T on transcript NM_004415.4 (MANE Select); coding-DNA position 8495, G replaced by T.
Protein change: p.Gly2832Val; replaces glycine 2832 with valine.
Molecular consequence: missense variant.
Genome position (GRCh38, 1-based): chr6:7,585,757, G>T. VCF-style: chr6-7585757-G-T. GRCh37 (hg19) VCF-style: chr6-7585990-G-T.
Other names: c.6698G>T, p.Gly2233Val (NM_001008844.3); c.7166G>T, p.Gly2389Val (NM_001319034.2); short protein forms G2832V, G2233V, G2389V.
Identifiers: ClinVar variation 44974 (VCV000044974.14), dbSNP rs397516970, ClinGen allele CA007670.

ClinVar aggregate classification (germline): Uncertain significance. Review status: criteria provided, multiple submitters, no conflicts (2 of 4 stars). 6 submissions from 6 submitters: Uncertain significance (6). Last evaluated 2025-09-04.

Conditions:
Arrhythmogenic cardiomyopathy with wooly hair and keratoderma. Also called: PALMOPLANTAR KERATODERMA WITH LEFT VENTRICULAR CARDIOMYOPATHY AND WOOLLY HAIR; Arrhythmogenic cardiomyopathy with woolly hair and keratoderma; Dilated cardiomyopathy with woolly hair and keratoderma; Carvajal syndrome. Identifiers: Orphanet 65282, MedGen C1854063, MONDO:0011581, OMIM 605676.
Arrhythmogenic right ventricular dysplasia 8 (ARVD8). Also called: Arrhythmogenic Right Ventricular Dysplasia/Cardiomyopathy 8; ARRHYTHMOGENIC RIGHT VENTRICULAR DYSPLASIA, FAMILIAL, 8; ARRHYTHMOGENIC RIGHT VENTRICULAR CARDIOMYOPATHY 8. Identifiers: MedGen C1843896, MONDO:0011831, OMIM 607450.
Cardiomyopathy (CMYO). Also called: Cardiomyopathies. Identifiers: Orphanet 167848, MedGen C0878544, MONDO:0004994, HP:0001638. Inheritance: Various modes of inheritance.

Allele frequency attached by ClinVar (database versions not stated): gnomAD exomes below 0.00001; ExAC 0.00001; gnomAD 0.00001; TOPMed 0.00002.
gnomAD v4.1: 15 of 1,608,014 alleles (0.00093%); highest among the groups gnomAD compares: Non-Finnish European, 0.0013%; no homozygotes.

Submissions (6):

Labcorp Genetics (formerly Invitae), Labcorp
Classification: Uncertain significance for Arrhythmogenic cardiomyopathy with wooly hair and keratoderma; Arrhythmogenic right ventricular dysplasia 8. Last evaluated: 2025-09-04. Review status: criteria provided, single submitter. Criteria: Invitae Variant Classification Sherloc (09022015). Collection method: clinical testing. Allele origin: germline.
Comment: This sequence change replaces glycine, which is neutral and non-polar, with valine, which is neutral and non-polar, at codon 2832 of the DSP protein (p.Gly2832Val). This variant is present in population databases (rs397516970, gnomAD 0.0009%). This missense change has been observed in individual(s) with dilated cardiomyopathy (PMID: 27532257). ClinVar contains an entry for this variant (Variation ID: 44974). An algorithm developed to predict the effect of missense changes on protein structure and function (PolyPhen-2) suggests that this variant is likely to be disruptive. In summary, the available evidence is currently insufficient to determine the role of this variant in disease. Therefore, it has been classified as a Variant of Uncertain Significance.

Color Diagnostics, LLC DBA Color Health
Classification: Uncertain significance for Cardiomyopathy. Last evaluated: 2024-09-23. Review status: criteria provided, single submitter. Criteria: ACMG Guidelines, 2015. Collection method: clinical testing. Allele origin: germline.
Comment: This missense variant replaces glycine with valine at codon 2832 of the DSP protein. Computational prediction suggests that this variant may not impact protein structure and function. To our knowledge, functional studies have not been reported for this variant. This variant has been reported in n individual affected with dilated cardiomyopathy, who also carried a pathogenic splicing variant in the same gene that could explain the observed phenotype (PMID: 24503780, 27532257). This variant has been identified in 1/247058 chromosomes in the general population by the Genome Aggregation Database (gnomAD). The available evidence is insufficient to determine the role of this variant in disease conclusively. Therefore, this variant is classified as a Variant of Uncertain Significance.

All of Us Research Program, National Institutes of Health
Classification: Uncertain significance for Arrhythmogenic cardiomyopathy with wooly hair and keratoderma. Last evaluated: 2023-07-10. Review status: criteria provided, single submitter. Criteria: ACMG Guidelines, 2015. Collection method: clinical testing. Allele origin: germline. Inheritance: Autosomal dominant inheritance. Observed: 1 variant allele, 1 heterozygote.
Comment: This missense variant replaces glycine with valine at codon 2832 of the DSP protein. Computational prediction suggests that this variant may not impact protein structure and function (internally defined REVEL score threshold <= 0.5, PMID: 27666373). To our knowledge, functional studies have not been reported for this variant. This variant has been reported in one individual affected with dilated cardiomyopathy, who also carried a pathogenic splicing variant in the same gene that could explain the observed phenotype (PMID: 24503780, 27532257). This variant has been identified in 1/247058 chromosomes in the general population by the Genome Aggregation Database (gnomAD). The available evidence is insufficient to determine the role of this variant in disease conclusively. Therefore, this variant is classified as a Variant of Uncertain Significance.

This study involves interpretation of variants in research participants for the purpose of population health screening. Participant phenotype was not available at the time of variant classification. Additional details can be found in publication PMID: 35346344, PMCID: PMC8962531

Blueprint Genetics
Classification: Uncertain significance. Last evaluated: 2019-01-23. Review status: criteria provided, single submitter. Criteria: ACMG Guidelines, 2015. Collection method: clinical testing. Allele origin: germline.

Biesecker Lab/Clinical Genomics Section, National Institutes of Health
Classification: Uncertain significance. Last evaluated: 2013-06-24. Review status: criteria provided, single submitter. Criteria: Ng et al. (Circ Cardiovasc Genet. 2013). Collection method: research. Allele origin: unknown. Observed: 1 variant allele. Study: ClinSeq.
Comment: The study set was not selected for affection status in relation to any cancer. Pathogenicity categories were based on literature curation. See Pubmed ID:23861362 for details.

Medical sequencing

Laboratory for Molecular Medicine, Mass General Brigham Personalized Medicine
Classification: Uncertain significance. Last evaluated: 2012-05-02. Review status: criteria provided, single submitter. Criteria: LMM Criteria. Collection method: clinical testing. Allele origin: germline. Observed: 1 variant allele.
Comment: The Gly2832Val variant (DSP) has not been reported in the literature. Compu tational analyses (biochemical amino acid properties, conservation, AlignGVGD, P olyPhen2, and SIFT) do not provide strong support for or against an impact to th e protein. this variant has not been identified in a very large and broad popula tion by the NHLBI Exome Sequencing Project. T his low frequency is consistent with a disease causing role, but is insufficient to establish this with certainty. Additional information is needed to fully ass ess the clinical significance of this variant.

Literature cited by the submitters: PubMed 27532257 (cited by 3 submitters); PubMed 24503780 (cited by Color Diagnostics, LLC DBA Color Health and All of Us Research Program, National Institutes of Health).